The following is an entry in ClinVar:

ClinVar aggregate classification (germline): Pathogenic. Review status: reviewed by expert panel (3 of 4 stars). 16 submissions from 16 submitters: Pathogenic (1). 15 of the submissions do not count toward it. Last evaluated 2016-09-08.

Conditions:
Pancreatic cancer, susceptibility to, 2. Identifiers: Orphanet 1333, MedGen C3150546, MONDO:0013235, OMIM 613347.
Glioma susceptibility 3 (GLM3). Also called: Glioblastoma 3. Identifiers: Orphanet 182067, Orphanet 360, MedGen C2751641, MONDO:0013093, OMIM 613029.
Familial prostate cancer. Also called: Hereditary Prostate Cancer. Identifiers: MedGen C2931456, MONDO:0700275, OMIM 176807.
Breast-ovarian cancer, familial, susceptibility to, 2 (BROVCA2). Also called: BRCA2 Hereditary Breast and Ovarian Cancer. Identifiers: Orphanet 145, MedGen C2675520, MONDO:0012933, OMIM 612555. Disease mechanism: loss of function.
Fanconi anemia complementation group D1. Also called: BRCA2-Related Fanconi Anemia. Identifiers: Orphanet 319462, MedGen C1838457, MONDO:0011584, OMIM 605724.
Medulloblastoma (MDB). Also called: Medulloblastoma, somatic; MEDULLOBLASTOMA PREDISPOSITION SYNDROME. Identifiers: Orphanet 616, MedGen C0025149, MeSH D008527, MONDO:0007959, OMIM 155255, HP:0002885.
Wilms tumor 1 (WT1). Also called: Wilms tumor, somatic. Identifiers: Orphanet 654, MedGen CN033288, MONDO:0008679, OMIM 194070.
Familial cancer of breast. Also called: BREAST CANCER, FAMILIAL; hereditary breast carcinoma; Hereditary breast cancer. Identifiers: Orphanet 227535, MedGen C0346153, MONDO:0016419, OMIM 114480. Disease mechanism: loss of function.
BRCA2-related disorder. Also called: BRCA2-related condition; BRCA2-related disorders. Identifiers: MedGen CN239275.
Hereditary cancer-predisposing syndrome. Also called: Neoplastic Syndromes, Hereditary; Tumor predisposition; Hereditary Cancer Syndrome; Hereditary neoplastic syndrome. Identifiers: Orphanet 140162, MedGen C0027672, MeSH D009386, MONDO:0015356.
Gastric cancer. Also called: Malignant tumor of stomach; Stomach cancer. Identifiers: MedGen C0024623, MeSH D013274, MONDO:0001056, OMIM 613659, HP:0012126.
Hereditary breast ovarian cancer syndrome. Also called: Breast and ovarian cancer; Hereditary breast and ovarian cancer; Hereditary breast and ovarian cancer syndrome (HBOC); Hereditary breast and ovarian cancer syndrome; BRCA1- and BRCA2-Associated Hereditary Breast and Ovarian Cancer; Hereditary breast and/or ovarian cancer syndrome. Identifiers: Orphanet 145, MedGen C0677776, MeSH D061325, MONDO:0003582. Disease mechanism: loss of function.

Submissions 1 to 10 of 16:

Evidence-based Network for the Interpretation of Germline Mutant Alleles (ENIGMA)
Classification: Pathogenic for Breast-ovarian cancer, familial, susceptibility to, 2. Last evaluated: 2016-09-08. Review status: reviewed by expert panel. Criteria: ENIGMA BRCA1/2 Classification Criteria (2015). Collection method: curation. Allele origin: germline.
Comment: Variant allele predicted to encode a truncated non-functional protein.

Labcorp Genetics (formerly Invitae), Labcorp
Classification: Pathogenic for Hereditary breast ovarian cancer syndrome. Last evaluated: 2025-10-01. Review status: criteria provided, single submitter. Criteria: Invitae Variant Classification Sherloc (09022015). Collection method: clinical testing. Allele origin: germline. Not counted in ClinVar's aggregate classification.
Comment: This sequence change creates a premature translational stop signal (p.Trp2788*) in the BRCA2 gene. It is expected to result in an absent or disrupted protein product. Loss-of-function variants in BRCA2 are known to be pathogenic (PMID: 20104584). This variant is not present in population databases (gnomAD no frequency). This variant has not been reported in the literature in individuals affected with BRCA2-related conditions. ClinVar contains an entry for this variant (Variation ID: 52566). For these reasons, this variant has been classified as Pathogenic.

Color Diagnostics, LLC DBA Color Health
Classification: Pathogenic for Hereditary cancer-predisposing syndrome. Last evaluated: 2024-10-28. Review status: criteria provided, single submitter. Criteria: ACMG Guidelines, 2015. Collection method: clinical testing. Allele origin: germline. Not counted in ClinVar's aggregate classification.
Comment: This variant changes 1 nucleotide in exon 19/27 of the BRCA2 gene, creating a premature translation stop signal. This variant is expected to result in an absent or non-functional protein product. This variant has been detected in at least 11 individuals affected with breast or ovarian cancer (PMID: 24010542, 26028024) and over 40 suspected hereditary breast and ovarian cancer families (PMID: 29446198). This variant alsohas been reported in a multifactorial analysis with a likelihood ratio for pathogenicity based on personal and family history of 0.975 from log(LR)=-0.011170717 for two carriers (PMID: 31853058). This variant has not been identified in the general population by the Genome Aggregation Database (gnomAD). Loss of BRCA2 function is a known mechanism of disease. Based on the available evidence, this variant is classified as Pathogenic.

Women's Health and Genetics/Laboratory Corporation of America, LabCorp
Classification: Pathogenic for Hereditary breast ovarian cancer syndrome. Last evaluated: 2023-02-06. Review status: criteria provided, single submitter. Criteria: LabCorp Variant Classification Summary - May 2015. Collection method: clinical testing. Allele origin: germline. Not counted in ClinVar's aggregate classification.
Comment: Variant summary: BRCA2 c.8364G>A (p.Trp2788X) results in a premature termination codon, predicted to cause a truncation of the encoded protein or absence of the protein due to nonsense mediated decay, which are commonly known mechanisms for disease. Truncations downstream of this position have been classified as pathogenic by our laboratory. The variant was absent in 251424 control chromosomes. c.8364G>A has been reported in the literature in multiple individuals affected with Hereditary Breast And Ovarian Cancer Syndrome (example, Rebbeck_2018). These data indicate that the variant is very likely to be associated with disease. Multiple clinical diagnostic laboratories, an expert panel (ENIGMA) and a consortium (CIMBA) have submitted clinical-significance assessments for this variant to ClinVar after 2014. All submitters classified the variant as pathogenic. Based on the evidence outlined above, the variant was classified as pathogenic.

GeneDx
Classification: Pathogenic. Last evaluated: 2023-01-24. Review status: criteria provided, single submitter. Criteria: GeneDx Variant Classification Process June 2021. Collection method: clinical testing. Allele origin: germline. Affected: yes. Not counted in ClinVar's aggregate classification.
Comment: Observed in individuals with a personal or family history consistent with pathogenic variants in this gene (Konstantopoulou et al., 2014; Sun et al., 2017; Mathias et al., 2019; Wang et al., 2019; De Talhouet et al., 2020); Nonsense variant predicted to result in protein truncation or nonsense mediated decay in a gene for which loss-of-function is a known mechanism of disease; Truncating variants in this gene are considered pathogenic by a well-established clinical consortium and/or database; Not observed at significant frequency in large population cohorts (gnomAD); Also known as 8592G>A; This variant is associated with the following publications: (PMID: 18489799, 24010542, 28724667, 31432501, 30968603, 32341426, 29084914, 26028024, 31209999, 24156927, 23772696, 26300996, 22762150, 31825140, 30702160, 29446198)

Ambry Genetics
Classification: Pathogenic for Hereditary cancer-predisposing syndrome. Last evaluated: 2022-10-25. Review status: criteria provided, single submitter. Criteria: Ambry Variant Classification Scheme 2023. Collection method: clinical testing. Allele origin: germline. Not counted in ClinVar's aggregate classification.
Comment: The p.W2788* pathogenic mutation (also known as c.8364G>A), located in coding exon 18 of the BRCA2 gene, results from a G to A substitution at nucleotide position 8364. This changes the amino acid from a tryptophan to a stop codon within coding exon 18. This mutation has been detected in multiple individuals with breast and/or ovarian cancer (Thomassen et al. Acta Oncol 2008;47(4):772-7; Lecarpentier J et al. Breast Cancer Res. 2012 Jul;14:R99; Sun et al. Clin. Cancer Res. 2017 Oct;23(20):6113-6119; Labidi-Galy et al. Clin. Cancer Res. 2018 01;24(2):326-333; Rebbeck et al. Hum. Mutat. 2018 05;39(5):593-620; Bhaskaran et al. Int. J. Cancer 2019 Aug;145(4):962-973; Fostira et al. J. Med. Genet. 2019 Jul; Wang et al. Mol Genet Genomic Med 2019 Jun;7(6):e677). Of note, this alteration is also designated as 8592G>A in published literature. In addition to the clinical data presented in the literature, this alteration is expected to result in loss of function by premature protein truncation or nonsense-mediated mRNA decay. As such, this alteration is interpreted as a disease-causing mutation.

Johns Hopkins Genomics, Johns Hopkins University
Classification: Pathogenic for Breast-ovarian cancer, familial, susceptibility to, 2. Last evaluated: 2021-05-20. Review status: criteria provided, single submitter. Criteria: ACMG Guidelines, 2015. Collection method: clinical testing. Allele origin: germline. Not counted in ClinVar's aggregate classification.
Comment: This BRCA2 nonsense variant has been reported in multiple individuals affected with hereditary breast and ovarian cancer. It results in a premature stop codon in exon 19 likely leading to nonsense-mediated decay and lack of protein production. This variant is absent from a large population database and has an entry in ClinVar. We consider c.8364G>A to be pathogenic.

CeGaT Center for Human Genetics Tuebingen
Classification: Pathogenic. Last evaluated: 2018-06-01. Review status: criteria provided, single submitter. Criteria: CeGaT Center For Human Genetics Tuebingen Variant Classification Criteria Version 2. Collection method: clinical testing. Allele origin: germline. Affected: yes. Observed: 1 variant allele. Not counted in ClinVar's aggregate classification.

Quest Diagnostics Nichols Institute San Juan Capistrano
Classification: Pathogenic. Last evaluated: 2018-01-17. Review status: criteria provided, single submitter. Criteria: Quest Diagnostics criteria. Collection method: clinical testing. Allele origin: germline. Not counted in ClinVar's aggregate classification.

Consortium of Investigators of Modifiers of BRCA1/2 (CIMBA), c/o University of Cambridge
Classification: Pathogenic for Breast-ovarian cancer, familial, susceptibility to, 2. Last evaluated: 2015-10-02. Review status: criteria provided, single submitter. Criteria: CIMBA Mutation Classification guidelines May 2016. Collection method: clinical testing. Allele origin: germline. Not counted in ClinVar's aggregate classification.

NM_000059.4(BRCA2):c.8364G>A (p.Trp2788Ter)

Gene: BRCA2 (BRCA2 DNA repair associated; plus strand). Cytogenetic location: 13q13.1.
Variant type: single nucleotide variant.
Coding change: c.8364G>A on transcript NM_000059.4 (MANE Select); coding-DNA position 8364, G replaced by A.
Protein change: p.Trp2788Ter; replaces tryptophan 2788 with a stop codon.
Molecular consequence: nonsense.
Genome position (GRCh38, 1-based): chr13:32,370,434, G>A. VCF-style: chr13-32370434-G-A. GRCh37 (hg19) VCF-style: chr13-32944571-G-A.
Other names: short protein forms W2788*.
Identifiers: ClinVar variation 52566 (VCV000052566.105), dbSNP rs397507981, ClinGen allele CA025605.